The following is an entry in ClinVar:

NM_001159699.2(FHL1):c.425_427dup (p.Cys142_Phe143insCys)

Gene: FHL1 (four and a half LIM domains 1; plus strand). Cytogenetic location: Xq26.3.
Variant type: Duplication.
Coding change: c.425_427dup on transcript NM_001159699.2 (MANE Select); coding-DNA positions 425 to 427, 3 bases duplicated (GCT; older notation c.425_427dupGCT).
Protein change: p.Cys142_Phe143insCys.
Molecular consequence: non-coding transcript variant (on NR_027621.2).
Genome position (GRCh38, 1-based): chrX:136,207,837-136,207,839, GCT duplicated; duplicating any 3 consecutive bases within chrX:136,207,835-136,207,839 gives the same sequence; the c. name uses the placement nearest the transcript's 3' end. VCF-style (leftmost placement, unchanged base first): chrX-136207834-A-ACTG. GRCh37 (hg19) VCF-style: chrX-135289993-A-ACTG.
Other names: c.425_427dupGCT (NM_001159699.2); c.377_379dup, p.Cys126_Phe127insCys (NM_001159700.2, NM_001159702.3, NM_001159703.2 and 9 more transcripts); c.464_466dup, p.Cys155_Phe156insCys (NM_001159701.2); c.425_427dup, p.Cys142_Phe143insCys (NM_001330659.2).
Identifiers: ClinVar variation 3896866 (VCV003896866.1).

ClinVar aggregate classification (germline): Likely pathogenic (1 of 4 stars; one submission).

Conditions:
Myopathy, reducing body, X-linked, childhood-onset (RBMX1B). Also called: REDUCING BODY MYOPATHY, X-LINKED 1B, WITH LATE CHILDHOOD OR ADULT ONSET. Identifiers: Orphanet 97239, MedGen C4225159, MONDO:0010415, OMIM 300718.
Myopathy, reducing body, X-linked, early-onset, severe (RBMX1A). Also called: REDUCING BODY MYOPATHY, X-LINKED 1, SEVERE, WITH INFANTILE OR EARLY CHILDHOOD ONSET. Identifiers: Orphanet 97239, MedGen C4225423, MONDO:0010414, OMIM 300717.
X-linked myopathy with postural muscle atrophy. Also called: FHL1-Related Emery-Dreifuss Muscular Dystrophy, X-Linked. Identifiers: Orphanet 178461, MedGen C2678055, MONDO:0010401, OMIM 300696.

Submission:

Kariminejad - Najmabadi Pathology & Genetics Center
Classification: Likely pathogenic for X-linked myopathy with postural muscle atrophy; Myopathy, reducing body, X-linked, early-onset, severe; Myopathy, reducing body, X-linked, childhood-onset. Last evaluated: 2024-04-15. Review status: criteria provided, single submitter. Criteria: ACMG Guidelines, 2015. Collection method: clinical testing. Allele origin: germline. Inheritance: X-linked inheritance. Affected: yes.
Comment: (PM2,PM1,PM4)